The following is an entry in ClinVar:

NM_006231.4(POLE):c.4728+1G>A

Gene: POLE (DNA polymerase epsilon, catalytic subunit; minus strand). Cytogenetic location: 12q24.33.
Variant type: single nucleotide variant.
Coding change: c.4728+1G>A on transcript NM_006231.4 (MANE Select); the canonical splice donor site of the intron after coding-DNA position 4728, G replaced by A.
Molecular consequence: splice donor variant.
Genome position (GRCh38, 1-based): chr12:132,642,819, C>T on the plus strand (G>A on the coding strand, the complement: POLE is on the minus strand). VCF-style: chr12-132642819-C-T. GRCh37 (hg19) VCF-style: chr12-133219405-C-T.
Identifiers: ClinVar variation 2702714 (VCV002702714.3), dbSNP rs2138538396, ClinGen allele CA387378606.

ClinVar aggregate classification (germline): Uncertain significance (1 of 4 stars; one submission).

Submission:

Labcorp Genetics (formerly Invitae), Labcorp
Classification: Uncertain significance. Last evaluated: 2023-12-13. Review status: criteria provided, single submitter. Criteria: Invitae Variant Classification Sherloc (09022015). Collection method: clinical testing. Allele origin: germline.
Comment: This sequence change affects a donor splice site in intron 36 of the POLE gene. It is expected to disrupt RNA splicing. Variants that disrupt the donor or acceptor splice site typically lead to a loss of protein function (PMID: 16199547), and loss-of-function variants in POLE are known to be pathogenic (PMID: 23230001, 25948378, 30503519). This variant is not present in population databases (gnomAD no frequency). Disruption of this splice site has been observed in individual(s) with IMAGE syndrome (PMID: 30503519). Studies have shown that disruption of this splice site is associated with altered splicing resulting in multiple RNA products (Invitae). In summary, the available evidence is currently insufficient to determine the role of this variant in disease. Therefore, it has been classified as a Variant of Uncertain Significance.

Literature cited by the submitters: PubMed 16199547; PubMed 23230001; PubMed 25948378; PubMed 30503519.